The following is an entry in ClinVar:

NM_031885.5(BBS2):c.1139A>G (p.Asn380Ser)

Gene: BBS2 (Bardet-Biedl syndrome 2; minus strand). Cytogenetic location: 16q13.
Variant type: single nucleotide variant.
Coding change: c.1139A>G on transcript NM_031885.5 (MANE Select); coding-DNA position 1139, A replaced by G.
Protein change: p.Asn380Ser; replaces asparagine 380 with serine.
Molecular consequence: missense variant. On other transcripts: non-coding transcript variant (5).
Genome position (GRCh38, 1-based): chr16:56,501,439, T>C on the plus strand (A>G on the coding strand, the complement: BBS2 is on the minus strand). VCF-style: chr16-56501439-T-C. GRCh37 (hg19) VCF-style: chr16-56535351-T-C.
Other names: c.1139A>G, p.Asn380Ser (NM_001377456.1); short protein forms N380S.
Identifiers: ClinVar variation 1042939 (VCV001042939.9), dbSNP rs773720173, ClinGen allele CA8065824.

ClinVar aggregate classification (germline): Uncertain significance. Review status: criteria provided, multiple submitters, no conflicts (2 of 4 stars). 4 submissions from 4 submitters: Uncertain significance (3). 1 of the submissions does not count toward it. Last evaluated 2024-11-26.

Conditions:
Bardet-Biedl syndrome 2 (BBS2). Identifiers: Orphanet 110, MedGen C2936863, MONDO:0014432, OMIM 615981.
Bardet-Biedl syndrome (BBS). Identifiers: Orphanet 110, MedGen C0752166, MONDO:0015229.
Retinitis pigmentosa 74 (RP74). Identifiers: Orphanet 791, MedGen C4225281, MONDO:0014692, OMIM 616562.

Allele frequency attached by ClinVar (database versions not stated): ExAC 0.00001; gnomAD exomes 0.00001; TOPMed 0.00001.
gnomAD v4.1: 7 of 1,614,180 alleles (0.00043%); highest among the groups gnomAD compares: Admixed American, 0.012%; no homozygotes.

Submissions (4):

Blueprint Genetics
Classification: Uncertain significance. Last evaluated: 2024-11-26. Review status: criteria provided, single submitter. Criteria: ACMG Guidelines, 2015. Collection method: clinical testing. Allele origin: germline.

Labcorp Genetics (formerly Invitae), Labcorp
Classification: Uncertain significance for Bardet-Biedl syndrome. Last evaluated: 2022-02-04. Review status: criteria provided, single submitter. Criteria: Invitae Variant Classification Sherloc (09022015). Collection method: clinical testing. Allele origin: germline.
Comment: This sequence change replaces asparagine, which is neutral and polar, with serine, which is neutral and polar, at codon 380 of the BBS2 protein (p.Asn380Ser). This variant is present in population databases (rs773720173, gnomAD 0.009%). This variant has not been reported in the literature in individuals affected with BBS2-related conditions. ClinVar contains an entry for this variant (Variation ID: 1042939). Algorithms developed to predict the effect of missense changes on protein structure and function are either unavailable or do not agree on the potential impact of this missense change (SIFT: "Deleterious"; PolyPhen-2: "Benign"; Align-GVGD: "Class C15"). In summary, the available evidence is currently insufficient to determine the role of this variant in disease. Therefore, it has been classified as a Variant of Uncertain Significance.

Fulgent Genetics
Classification: Uncertain significance for Bardet-Biedl syndrome 2; Retinitis pigmentosa 74. Last evaluated: 2021-09-11. Review status: criteria provided, single submitter. Criteria: ACMG Guidelines, 2015. Collection method: clinical testing. Allele origin: unknown.

Natera, Inc.
Classification: Uncertain significance for Bardet-Biedl syndrome type 2. Last evaluated: 2020-04-16. Review status: no assertion criteria provided. Collection method: clinical testing. Allele origin: germline. Not counted in ClinVar's aggregate classification.